The following is an entry in ClinVar:

ClinVar aggregate classification (germline): Uncertain significance. Review status: criteria provided, multiple submitters, no conflicts (2 of 4 stars). 3 submissions from 3 submitters: Uncertain significance (2). 1 of the submissions does not count toward it. Last evaluated 2025-09-01.

Conditions:
Metachromatic leukodystrophy (MLD). Also called: SULFATIDE LIPIDOSIS; ARSA DEFICIENCY; CEREBROSIDE SULFATASE DEFICIENCY; METACHROMATIC LEUKOENCEPHALOPATHY; Arylsulfatase A Deficiency; Cerebral sclerosis diffuse metachromatic form. Identifiers: Orphanet 512, MedGen C0023522, MONDO:0018868, OMIM 250100.
Inborn genetic diseases. Identifiers: MedGen C0950123, MeSH D030342.
Sphingolipid activator protein 1 deficiency. Also called: Metachromatic leukodystrophy due to saposin B deficiency; METACHROMATIC LEUKODYSTROPHY DUE TO CEREBROSIDE SULFATASE ACTIVATOR DEFICIENCY; Saposin B Deficiency. Identifiers: Orphanet 512, MedGen C0268262, MONDO:0009590, OMIM 249900.

Allele frequency attached by ClinVar (database versions not stated): ExAC 0.00002; gnomAD exomes 0.00002; gnomAD 0.00004 and 0.00005; TOPMed 0.00004.
gnomAD v4.1: 82 of 1,613,984 alleles (0.0051%); highest among the groups gnomAD compares: Non-Finnish European, 0.0059%; no homozygotes.

Submissions (3):

Ambry Genetics
Classification: Uncertain significance for Inborn genetic diseases. Last evaluated: 2025-09-01. Review status: criteria provided, single submitter. Criteria: Ambry Variant Classification Scheme 2023. Collection method: clinical testing. Allele origin: germline.

Labcorp Genetics (formerly Invitae), Labcorp
Classification: Uncertain significance for Sphingolipid activator protein 1 deficiency. Last evaluated: 2022-06-10. Review status: criteria provided, single submitter. Criteria: Invitae Variant Classification Sherloc (09022015). Collection method: clinical testing. Allele origin: germline.
Comment: This sequence change replaces arginine, which is basic and polar, with glutamine, which is neutral and polar, at codon 213 of the PSAP protein (p.Arg213Gln). This variant is present in population databases (rs773913014, gnomAD 0.004%). This variant has not been reported in the literature in individuals affected with PSAP-related conditions. ClinVar contains an entry for this variant (Variation ID: 662707). Algorithms developed to predict the effect of missense changes on protein structure and function are either unavailable or do not agree on the potential impact of this missense change (SIFT: "Not Available"; PolyPhen-2: "Possibly Damaging"; Align-GVGD: "Not Available"). In summary, the available evidence is currently insufficient to determine the role of this variant in disease. Therefore, it has been classified as a Variant of Uncertain Significance.

Natera, Inc.
Classification: Uncertain significance for Metachromatic leukodystrophy. Last evaluated: 2020-09-16. Review status: no assertion criteria provided. Collection method: clinical testing. Allele origin: germline. Not counted in ClinVar's aggregate classification.

NM_002778.4(PSAP):c.638G>A (p.Arg213Gln)

Gene: PSAP (prosaposin; minus strand). Cytogenetic location: 10q22.1.
Variant type: single nucleotide variant.
Coding change: c.638G>A on transcript NM_002778.4 (MANE Select); coding-DNA position 638, G replaced by A.
Protein change: p.Arg213Gln; replaces arginine 213 with glutamine.
Molecular consequence: missense variant.
Genome position (GRCh38, 1-based): chr10:71,828,096, C>T on the plus strand (G>A on the coding strand, the complement: PSAP is on the minus strand). VCF-style: chr10-71828096-C-T. GRCh37 (hg19) VCF-style: chr10-73587853-C-T.
Other names: c.638G>A, p.Arg213Gln (NM_001042465.3, NM_001042466.3); c.638G>A (NM_002778.2); short protein forms R213Q.
Identifiers: ClinVar variation 662707 (VCV000662707.5), dbSNP rs773913014, ClinGen allele CA5547709.
Genomic context (GRCh38, chr10:71,828,096, plus strand): 5'-AGGCGGTCACACTCCTCCTTGACATGTTCCACCAAGGCCTGGACAAAGGTGGAGTTGGTC[C>T]GTACAGCAGTCTGGATGTCAGTCACCATCTGAATGCAGTCCTGGCAAACGTCCCCATTAT-3'
Protein context (NP_002769.1, residues 203-223): QMVTDIQTAV[Arg213Gln]TNSTFVQALV